The following is an entry in ClinVar:

ClinVar aggregate classification (germline): Uncertain significance. Review status: criteria provided, multiple submitters, no conflicts (2 of 4 stars). 2 submissions from 2 submitters: Uncertain significance (2). Last evaluated 2026-01-19.

Conditions:
Hereditary breast ovarian cancer syndrome. Also called: BRCA1- and BRCA2-Associated Hereditary Breast and Ovarian Cancer; Hereditary breast and ovarian cancer; Breast and ovarian cancer; Hereditary breast and/or ovarian cancer syndrome; Hereditary breast and ovarian cancer syndrome (HBOC); Hereditary breast and ovarian cancer syndrome. Identifiers: Orphanet 145, MedGen C0677776, MeSH D061325, MONDO:0003582. Disease mechanism: loss of function.
Hereditary cancer-predisposing syndrome. Also called: Hereditary Cancer Syndrome; Neoplastic Syndromes, Hereditary; Tumor predisposition; Hereditary neoplastic syndrome. Identifiers: Orphanet 140162, MedGen C0027672, MeSH D009386, MONDO:0015356.

Submissions (2):

Ambry Genetics
Classification: Uncertain significance for Hereditary cancer-predisposing syndrome. Last evaluated: 2026-01-19. Review status: criteria provided, single submitter. Criteria: Ambry Variant Classification Scheme 2023. Collection method: clinical testing. Allele origin: germline.
Comment: The p.Q1069E variant (also known as c.3205C>G), located in coding exon 9 of the BRCA1 gene, results from a C to G substitution at nucleotide position 3205. The glutamine at codon 1069 is replaced by glutamic acid, an amino acid with highly similar properties. This amino acid position is conserved. In addition, the in silico prediction for this alteration is inconclusive. Based on the available evidence, the clinical significance of this variant remains unclear.

Labcorp Genetics (formerly Invitae), Labcorp
Classification: Uncertain significance for Hereditary breast ovarian cancer syndrome. Last evaluated: 2024-09-16. Review status: criteria provided, single submitter. Criteria: Invitae Variant Classification Sherloc (09022015). Collection method: clinical testing. Allele origin: germline.
Comment: This sequence change replaces glutamine, which is neutral and polar, with glutamic acid, which is acidic and polar, at codon 1069 of the BRCA1 protein (p.Gln1069Glu). This variant is not present in population databases (gnomAD no frequency). This variant has not been reported in the literature in individuals affected with BRCA1-related conditions. Invitae Evidence Modeling of protein sequence and biophysical properties (such as structural, functional, and spatial information, amino acid conservation, physicochemical variation, residue mobility, and thermodynamic stability) indicates that this missense variant is not expected to disrupt BRCA1 protein function with a negative predictive value of 95%. In summary, the available evidence is currently insufficient to determine the role of this variant in disease. Therefore, it has been classified as a Variant of Uncertain Significance.

NM_007294.4(BRCA1):c.3205C>G (p.Gln1069Glu)

Gene: BRCA1 (BRCA1 DNA repair associated; minus strand). Cytogenetic location: 17q21.31.
Variant type: single nucleotide variant.
Coding change: c.3205C>G on transcript NM_007294.4 (MANE Select); coding-DNA position 3205, C replaced by G.
Protein change: p.Gln1069Glu; replaces glutamine 1069 with glutamic acid.
Molecular consequence: missense variant. On other transcripts: intron variant (137).
Genome position (GRCh38, 1-based): chr17:43,092,326, G>C on the plus strand (C>G on the coding strand, the complement: BRCA1 is on the minus strand). VCF-style: chr17-43092326-G-C. GRCh37 (hg19) VCF-style: chr17-41244343-G-C.
Other names: c.545-1294C>G (NM_001408495.1); c.662-1294C>G (NM_001408448.1, NM_001408445.1, NM_001408432.1 and 6 more transcripts); c.668-1294C>G (NM_001408421.1, NM_001408431.1, NM_001408424.1); c.785-1294C>G (NM_001407991.1, NM_001408407.1, NM_001408402.1 and 13 more transcripts); c.665-1294C>G (NM_001408427.1, NM_001408443.1, NM_001408439.1 and 12 more transcripts); c.524-1294C>G (NM_001408496.1, NM_001408499.1, NM_001408500.1 and 3 more transcripts); c.647-1294C>G (NM_001408460.1, NM_001408454.1, NM_001408456.1 and 11 more transcripts); c.707-1294C>G (NM_001408413.1, NM_001408416.1); and 41 more; short protein forms Q1021E, Q1042E, Q901E, Q958E, Q999E, Q1002E, Q1043E, Q1068E.
Identifiers: ClinVar variation 3634654 (VCV003634654.3).